The following is an entry in ClinVar:

NM_002519.3(NPAT):c.3590G>T (p.Ser1197Ile)

Gene: NPAT (nuclear protein, coactivator of histone transcription; minus strand). Cytogenetic location: 11q22.3.
Variant type: single nucleotide variant.
Coding change: c.3590G>T on transcript NM_002519.3 (MANE Select); coding-DNA position 3590, G replaced by T.
Protein change: p.Ser1197Ile; replaces serine 1197 with isoleucine.
Molecular consequence: missense variant.
Genome position (GRCh38, 1-based): chr11:108,161,496, C>A on the plus strand (G>T on the coding strand, the complement: NPAT is on the minus strand). VCF-style: chr11-108161496-C-A. GRCh37 (hg19) VCF-style: chr11-108032223-C-A.
Other names: c.3611G>T, p.Ser1204Ile (NM_001321307.1); short protein forms S1197I, S1204I.
Identifiers: ClinVar variation 3222599 (VCV003222599.1), dbSNP rs2496695433, ClinGen allele CA382510473.
Genomic context (GRCh38, chr11:108,161,496, plus strand): 5'-TTGTTTGAAGATGTGCCTTGTTTTTTGGTCATTTCTTGCAGTGAAGCTATAGATTTCTCA[C>A]TTCGCAAACCCCCATTTTGCTGCCCAATAGATAGTTTTGAATTTTCTGGATTTTTCTGTC-3'
Protein context (NP_002510.2, residues 1187-1207): SIGQQNGGLR[Ser1197Ile]EKSIASLQEM

ClinVar aggregate classification (germline): Uncertain significance (1 of 4 stars; one submission).

gnomAD v4.1: 3 of 1,614,204 alleles (0.00019%); highest among the groups gnomAD compares: Non-Finnish European, 0.00025%; no homozygotes.

Submission:

Ambry Genetics
Classification: Uncertain significance. Last evaluated: 2023-12-29. Review status: criteria provided, single submitter. Criteria: Ambry Variant Classification Scheme 2023. Collection method: clinical testing. Allele origin: germline.
Comment: The p.S1197I variant (also known as c.3590G>T), located in coding exon 17 of the NPAT gene, results from a G to T substitution at nucleotide position 3590. The serine at codon 1197 is replaced by isoleucine, an amino acid with dissimilar properties. This amino acid position is conserved. In addition, this alteration is predicted to be tolerated by in silico analysis. Since supporting evidence is limited at this time, the clinical significance of this alteration remains unclear.